The following is an entry in ClinVar:

NM_001379500.1(COL18A1):c.3474C>A (p.Ser1158Arg)

Genes: COL18A1 (collagen type XVIII alpha 1 chain; plus strand), SLC19A1 (solute carrier family 19 member 1; minus strand). Cytogenetic location: 21q22.3.
Variant type: single nucleotide variant.
Coding change: c.3474C>A on transcript NM_001379500.1 (MANE Select); coding-DNA position 3474, C replaced by A.
Protein change: p.Ser1158Arg; replaces serine 1158 with arginine.
Molecular consequence: missense variant.
Genome position (GRCh38, 1-based): chr21:45,509,580, C>A. VCF-style: chr21-45509580-C-A. GRCh37 (hg19) VCF-style: chr21-46929494-C-A.
Other names: c.4005C>A, p.Ser1335Arg (NM_030582.4); c.4710C>A, p.Ser1570Arg (NM_130444.3); short protein forms S1335R, S1570R, S1158R.
Identifiers: ClinVar variation 1917273 (VCV001917273.4), dbSNP rs2037449442, ClinGen allele CA410501219.

ClinVar aggregate classification (germline): Uncertain significance (1 of 4 stars; one submission).

gnomAD v4.1: 1 of 1,523,462 alleles (0.000066%); highest among the groups gnomAD compares: Non-Finnish European, 0.000088%; no homozygotes.

Submission:

Labcorp Genetics (formerly Invitae), Labcorp
Classification: Uncertain significance. Last evaluated: 2022-06-23. Review status: criteria provided, single submitter. Criteria: Invitae Variant Classification Sherloc (09022015). Collection method: clinical testing. Allele origin: germline.
Comment: This variant has not been reported in the literature in individuals affected with COL18A1-related conditions. This sequence change replaces serine, which is neutral and polar, with arginine, which is basic and polar, at codon 1155 of the COL18A1 protein (p.Ser1155Arg). This variant is not present in population databases (gnomAD no frequency). Experimental studies and prediction algorithms are not available or were not evaluated, and the functional significance of this variant is currently unknown. In summary, the available evidence is currently insufficient to determine the role of this variant in disease. Therefore, it has been classified as a Variant of Uncertain Significance.